The following is an entry in ClinVar:

NM_018975.4(TERF2IP):c.172G>A (p.Glu58Lys)

Gene: TERF2IP (TERF2 interacting protein; plus strand). Cytogenetic location: 16q23.1.
Variant type: single nucleotide variant.
Coding change: c.172G>A on transcript NM_018975.4 (MANE Select); coding-DNA position 172, G replaced by A.
Protein change: p.Glu58Lys; replaces glutamic acid 58 with lysine.
Molecular consequence: missense variant. On other transcripts: non-coding transcript variant (1).
Genome position (GRCh38, 1-based): chr16:75,648,054, G>A. VCF-style: chr16-75648054-G-A. GRCh37 (hg19) VCF-style: chr16-75681952-G-A.
Other names: short protein forms E58K.
Identifiers: ClinVar variation 2448532 (VCV002448532.2), dbSNP rs2507072813, ClinGen allele CA396817369.

ClinVar aggregate classification (germline): Uncertain significance (1 of 4 stars; one submission).

Submission:

Ambry Genetics
Classification: Uncertain significance. Last evaluated: 2023-01-01. Review status: criteria provided, single submitter. Criteria: Ambry Variant Classification Scheme 2023. Collection method: clinical testing. Allele origin: germline.
Comment: The p.E58K variant (also known as c.172G>A), located in coding exon 1 of the TERF2IP gene, results from a G to A substitution at nucleotide position 172. The glutamic acid at codon 58 is replaced by lysine, an amino acid with similar properties. This amino acid position is conserved. In addition, this alteration is predicted to be tolerated by in silico analysis. Since supporting evidence is limited at this time, the clinical significance of this alteration remains unclear.